The following is an entry in ClinVar:

ClinVar aggregate classification (germline): Uncertain significance (1 of 4 stars; one submission).

Conditions:
Inborn genetic diseases. Identifiers: MedGen C0950123, MeSH D030342.

Submission:

Ambry Genetics
Classification: Uncertain significance for Inborn genetic diseases. Last evaluated: 2025-08-21. Review status: criteria provided, single submitter. Criteria: Ambry Variant Classification Scheme 2023. Collection method: clinical testing. Allele origin: germline.
Comment: The p.A1478T variant (also known as c.4432G>A), located in coding exon 13 of the ASXL1 gene, results from a G to A substitution at nucleotide position 4432. The alanine at codon 1478 is replaced by threonine, an amino acid with similar properties. This amino acid position is conserved. In addition, this alteration is predicted to be tolerated by in silico analysis. Based on the available evidence, the clinical significance of this variant remains unclear.

NM_015338.6(ASXL1):c.4432G>A (p.Ala1478Thr)

Gene: ASXL1 (ASXL transcriptional regulator 1; plus strand). Cytogenetic location: 20q11.21.
Variant type: single nucleotide variant.
Coding change: c.4432G>A on transcript NM_015338.6 (MANE Select); coding-DNA position 4432, G replaced by A.
Protein change: p.Ala1478Thr; replaces alanine 1478 with threonine.
Molecular consequence: missense variant.
Genome position (GRCh38, 1-based): chr20:32,437,144, G>A. VCF-style: chr20-32437144-G-A. GRCh37 (hg19) VCF-style: chr20-31024947-G-A.
Other names: c.4249G>A, p.Ala1417Thr (NM_001363734.1); short protein forms A1417T, A1478T.
Identifiers: ClinVar variation 4159064 (VCV004159064.1).